The following is an entry in ClinVar:

NM_032634.4(PIGO):c.1927G>A (p.Glu643Lys)

Gene: PIGO (phosphatidylinositol glycan anchor biosynthesis class O; minus strand). Cytogenetic location: 9p13.3.
Variant type: single nucleotide variant.
Coding change: c.1927G>A on transcript NM_032634.4 (MANE Select); coding-DNA position 1927, G replaced by A.
Protein change: p.Glu643Lys; replaces glutamic acid 643 with lysine.
Molecular consequence: missense variant. On other transcripts: intron variant (2).
Genome position (GRCh38, 1-based): chr9:35,091,960, C>T on the plus strand (G>A on the coding strand, the complement: PIGO is on the minus strand). VCF-style: chr9-35091960-C-T. GRCh37 (hg19) VCF-style: chr9-35091957-C-T.
Other names: c.1344+583G>A (NM_152850.4, NM_001201484.2); short protein forms E643K.
Identifiers: ClinVar variation 1407511 (VCV001407511.5), dbSNP rs369499442, ClinGen allele CA373321135.

ClinVar aggregate classification (germline): Uncertain significance (1 of 4 stars; one submission).

Conditions:
Hyperphosphatasia with impaired intellectual development syndrome 2. Also called: Hyperphosphatasia with intellectual disability syndrome 2; GLYCOSYLPHOSPHATIDYLINOSITOL BIOSYNTHESIS DEFECT 6. Identifiers: Orphanet 247262, MedGen C3553637, MONDO:0013882, OMIM 614749.

Submission:

Labcorp Genetics (formerly Invitae), Labcorp
Classification: Uncertain significance for Hyperphosphatasia with impaired intellectual development syndrome 2. Last evaluated: 2021-08-14. Review status: criteria provided, single submitter. Criteria: Invitae Variant Classification Sherloc (09022015). Collection method: clinical testing. Allele origin: germline.
Comment: This sequence change replaces glutamic acid with lysine at codon 643 of the PIGO protein (p.Glu643Lys). The glutamic acid residue is highly conserved and there is a small physicochemical difference between glutamic acid and lysine. This variant is not present in population databases (ExAC no frequency). This variant has not been reported in the literature in individuals affected with PIGO-related conditions. Algorithms developed to predict the effect of missense changes on protein structure and function (SIFT, PolyPhen-2, Align-GVGD) all suggest that this variant is likely to be disruptive. In summary, the available evidence is currently insufficient to determine the role of this variant in disease. Therefore, it has been classified as a Variant of Uncertain Significance.